The following is an entry in ClinVar:

ClinVar aggregate classification (germline): Uncertain significance. Review status: criteria provided, multiple submitters, no conflicts (2 of 4 stars). 2 submissions from 2 submitters: Uncertain significance (2). Last evaluated 2024-11-05.

Conditions:
Immunodeficiency, common variable, 6. Also called: ANTIBODY DEFICIENCY DUE TO CD81 DEFECT. Identifiers: Orphanet 1572, MedGen C3150741, MONDO:0013286, OMIM 613496.

gnomAD v4.1: 6 of 1,612,622 alleles (0.00037%); highest among the groups gnomAD compares: Non-Finnish European, 0.00051%; no homozygotes.

Submissions (2):

Labcorp Genetics (formerly Invitae), Labcorp
Classification: Uncertain significance. Last evaluated: 2024-11-05. Review status: criteria provided, single submitter. Criteria: Invitae Variant Classification Sherloc (09022015). Collection method: clinical testing. Allele origin: germline.
Comment: This sequence change replaces asparagine, which is neutral and polar, with lysine, which is basic and polar, at codon 141 of the CD81 protein (p.Asn141Lys). This variant is present in population databases (no rsID available, gnomAD 0.0009%). This variant has not been reported in the literature in individuals affected with CD81-related conditions. An algorithm developed to predict the effect of missense changes on protein structure and function (PolyPhen-2) suggests that this variant is likely to be tolerated. In summary, the available evidence is currently insufficient to determine the role of this variant in disease. Therefore, it has been classified as a Variant of Uncertain Significance.

Fulgent Genetics
Classification: Uncertain significance for Immunodeficiency, common variable, 6. Last evaluated: 2024-03-22. Review status: criteria provided, single submitter. Criteria: ACMG Guidelines, 2015. Collection method: clinical testing. Allele origin: germline.

NM_004356.4(CD81):c.423C>G (p.Asn141Lys)

Gene: CD81 (CD81 molecule; plus strand). Cytogenetic location: 11p15.5.
Variant type: single nucleotide variant.
Coding change: c.423C>G on transcript NM_004356.4 (MANE Select); coding-DNA position 423, C replaced by G.
Protein change: p.Asn141Lys; replaces asparagine 141 with lysine.
Molecular consequence: missense variant.
Genome position (GRCh38, 1-based): chr11:2,395,484, C>G. VCF-style: chr11-2395484-C-G. GRCh37 (hg19) VCF-style: chr11-2416714-C-G.
Other names: c.210C>G, p.Asn70Lys (NM_001297649.2, NM_001425129.1, NM_001425130.1 and 4 more transcripts); c.546C>G, p.Asn182Lys (NM_001425135.1); c.423C>G, p.Asn141Lys (NM_001425137.1); short protein forms N182K, N70K, N141K.
Identifiers: ClinVar variation 3599525 (VCV003599525.3).